The following is an entry in ClinVar:

NM_019032.6(ADAMTSL4):c.877dup (p.Gln293fs)

Genes: ADAMTSL4 (ADAMTS like 4; plus strand), ADAMTSL4-AS2 (ADAMTSL4 antisense RNA 2; minus strand). Cytogenetic location: 1q21.2.
Variant type: Duplication.
Coding change: c.877dup on transcript NM_019032.6 (MANE Select); coding-DNA position 877, one base duplicated (C; older notation c.877dupC).
Protein change: p.Gln293fs; shifts the reading frame from glutamine 293.
Molecular consequence: frameshift variant.
Genome position (GRCh38, 1-based): chr1:150,553,868, C duplicated; the last of 4 consecutive C bases (chr1:150,553,865-150,553,868); duplicating any one gives the same sequence. VCF-style (leftmost placement, unchanged base first): chr1-150553864-T-TC. GRCh37 (hg19) VCF-style: chr1-150526340-T-TC.
Other names: c.877dup, p.Gln293fs (NM_001288607.2, NM_001288608.2, NM_001378596.1 and 1 more transcripts); short protein forms Q293fs.
Identifiers: ClinVar variation 1431775 (VCV001431775.7), dbSNP rs2101582643, ClinGen allele CA2573131046.

ClinVar aggregate classification (germline): Pathogenic/Likely pathogenic. Review status: criteria provided, multiple submitters, no conflicts (2 of 4 stars). 2 submissions from 2 submitters: Pathogenic (1); Likely pathogenic (1). Last evaluated 2023-10-13.

Conditions:
ADAMTSL4-related disorder. Also called: ADAMTSL4-Related Disorders; ADAMTSL4-related condition.

Submissions (2):

Labcorp Genetics (formerly Invitae), Labcorp
Classification: Pathogenic. Last evaluated: 2023-10-13. Review status: criteria provided, single submitter. Criteria: Invitae Variant Classification Sherloc (09022015). Collection method: clinical testing. Allele origin: germline.
Comment: This sequence change creates a premature translational stop signal (p.Gln293Profs*8) in the ADAMTSL4 gene. It is expected to result in an absent or disrupted protein product. Loss-of-function variants in ADAMTSL4 are known to be pathogenic (PMID: 20564469, 28642162). This variant is not present in population databases (gnomAD no frequency). This variant has not been reported in the literature in individuals affected with ADAMTSL4-related conditions. ClinVar contains an entry for this variant (Variation ID: 1431775). For these reasons, this variant has been classified as Pathogenic.

Blueprint Genetics
Classification: Likely pathogenic for ADAMTSL4-related disorders. Last evaluated: 2021-09-24. Review status: criteria provided, single submitter. Criteria: ACMG Guidelines, 2015. Collection method: clinical testing. Allele origin: germline. Affected: yes. Observed: 1 variant allele.

Literature cited by the submitters: PubMed 20564469 (cited by Labcorp Genetics (formerly Invitae), Labcorp); PubMed 28642162 (cited by Labcorp Genetics (formerly Invitae), Labcorp).